The following is an entry in ClinVar:

ClinVar aggregate classification (germline): Pathogenic/Likely pathogenic. Review status: criteria provided, multiple submitters, no conflicts (2 of 4 stars). 11 submissions from 11 submitters: Pathogenic (8); Likely pathogenic (2). 1 of the submissions does not count toward it. Last evaluated 2025-12-16.

Conditions:
Hereditary cancer-predisposing syndrome. Also called: Hereditary Cancer Syndrome; Neoplastic Syndromes, Hereditary; Tumor predisposition; Hereditary neoplastic syndrome. Identifiers: Orphanet 140162, MedGen C0027672, MeSH D009386, MONDO:0015356.
Familial cancer of breast. Also called: BREAST CANCER, FAMILIAL; Hereditary breast cancer; hereditary breast carcinoma. Identifiers: Orphanet 227535, MedGen C0346153, MONDO:0016419, OMIM 114480. Disease mechanism: loss of function.
Ataxia-telangiectasia syndrome (AT). Also called: Ataxia-telangiectasia, complementation group D; AT, COMPLEMENTATION GROUP C; ATAXIA-TELANGIECTASIA, COMPLEMENTATION GROUP A; ATAXIA-TELANGIECTASIA, FRESNO VARIANT; Ataxia-telangiectasia; LOUIS-BAR SYNDROME. Identifiers: Orphanet 100, MedGen C0004135, MONDO:0008840, OMIM 208900.

Submissions (11):

Labcorp Genetics (formerly Invitae), Labcorp
Classification: Pathogenic for Ataxia-telangiectasia syndrome. Last evaluated: 2025-12-16. Review status: criteria provided, single submitter. Criteria: Invitae Variant Classification Sherloc (09022015). Collection method: clinical testing. Allele origin: germline.
Comment: This sequence change creates a premature translational stop signal (p.Gly509Glufs*3) in the ATM gene. It is expected to result in an absent or disrupted protein product. Loss-of-function variants in ATM are known to be pathogenic (PMID: 23807571, 25614872). This variant is not present in population databases (gnomAD no frequency). This premature translational stop signal has been observed in individual(s) with ataxia-telangiectasia (PMID: 16941484). ClinVar contains an entry for this variant (Variation ID: 189158). For these reasons, this variant has been classified as Pathogenic.

Ambry Genetics
Classification: Pathogenic for Hereditary cancer-predisposing syndrome. Last evaluated: 2025-06-23. Review status: criteria provided, single submitter. Criteria: Ambry Variant Classification Scheme 2023. Collection method: clinical testing. Allele origin: germline.
Comment: The c.1524delT pathogenic mutation, located in coding exon 9 of the ATM gene, results from a deletion of one nucleotide at nucleotide position 1524, causing a translational frameshift with a predicted alternate stop codon (p.G509Efs*3). This variant has been identified in the homozygous state and/or in conjunction with other ATM variant(s) in individual(s) with features consistent with ataxia-telangiectasia (A-T) (Cavalieri S et al, Hum. Mutat. 2006 Oct; 27(10):1061). This variant is considered to be rare based on population cohorts in the Genome Aggregation Database (gnomAD). In addition to the clinical data presented in the literature, this alteration is expected to result in loss of function by premature protein truncation or nonsense-mediated mRNA decay. As such, this alteration is interpreted as a disease-causing mutation.

Institute of Human Genetics, Clinical Exome/Genome Diagnostics Group, University Hospital Bonn
Classification: Pathogenic for Ataxia-telangiectasia syndrome. Last evaluated: 2025-01-16. Review status: criteria provided, single submitter. Criteria: ACMG Guidelines, 2015. Collection method: clinical testing. Allele origin: germline. Inheritance: Autosomal recessive inheritance. Affected: yes. Observed: 1 compound heterozygote.
Comment: PVS1, PM2_supporting, PM5_supporting

Genetic Services Laboratory, University of Chicago
Classification: Likely pathogenic. Last evaluated: 2024-11-05. Review status: criteria provided, single submitter. Criteria: ACMG Guidelines, 2015. Collection method: clinical testing. Allele origin: germline. Affected: yes.
Comment: DNA sequence analysis of the ATM gene demonstrated a single base pair deletion in exon 10, c.1524del. This sequence change results in an amino acid frameshift and creates a premature stop codon 3 amino acids downstream of the change, p.Gly509Glufs*3. This sequence change is predicted to result in an abnormal transcript, which may be degraded, or may lead to the production of a truncated ATM protein with potentially abnormal function. This deletion has been previously described in the compound heterozygous state in an individual with ATM-related ataxia telangiectasia and in the heterozygous state in an individual with suspected hereditary cancer (PMIDs: 16941484, 30613976). This sequence change has been described in the gnomAD database with a frequency of 0.00017% in the Non-Finnish European subpopulation (dbSNP rs786204737).

Natera, Inc.
Classification: Pathogenic for Ataxia-telangiectasia. Last evaluated: 2024-08-29. Review status: criteria provided, single submitter. Criteria: Natera Variant Classification Schema (03/2026). Collection method: clinical testing. Allele origin: germline.
Comment: The c.1524delT variant in ATM is a frameshift variant predicted to shift the reading frame beginning at codon 509 and leads to a stop codon 3 codons downstream. This variant is expected to result in nonsense mediated decay, truncation, or a dysfunctional protein product. This variant is rare in the general population with a frequency below the threshold expected for the associated phenotype(s). This variant has been observed in one or more individuals affected with the associated recessive disease, as either homozygous or compound heterozygous with a second variant (PMID: 23454770). Given the available evidence, this variant is classified as Pathogenic.

Baylor Genetics
Classification: Pathogenic for Familial cancer of breast. Last evaluated: 2024-03-05. Review status: criteria provided, single submitter. Criteria: ACMG Guidelines, 2015. Collection method: clinical testing. Allele origin: unknown.

Myriad Genetics, Inc.
Classification: Pathogenic for Familial cancer of breast. Last evaluated: 2024-01-16. Review status: criteria provided, single submitter. Criteria: Myriad Autosomal Dominant, Autosomal Recessive and X-Linked Classification Criteria (2023). Collection method: clinical testing. Allele origin: unknown.
Comment: This variant is considered pathogenic. This variant creates a frameshift predicted to result in premature protein truncation.

Women's Health and Genetics/Laboratory Corporation of America, LabCorp
Classification: Pathogenic for Ataxia-telangiectasia syndrome. Last evaluated: 2020-11-11. Review status: criteria provided, single submitter. Criteria: LabCorp Variant Classification Summary - May 2015. Collection method: clinical testing. Allele origin: germline.
Comment: Variant summary: ATM c.1524delT (p.Gly509GlufsX3) results in a premature termination codon, predicted to cause a truncation of the encoded protein or absence of the protein due to nonsense mediated decay, which are commonly known mechanisms for disease. Truncations downstream of this position have been classified as pathogenic by our laboratory. The variant was absent in 251190 control chromosomes (gnomAD). c.1524delT has been reported in the literature in individuals affected with Ataxia-Telangiectasia, breast cancer and ovarian cancer (Cavalieri_2006, Rizzolo_2019, Bochtler_2019, Arvai_2019). These data indicate that the variant is likely to be associated with disease. To our knowledge, no experimental evidence demonstrating an impact on protein function has been reported. Five ClinVar submitters (evaluation after 2014) cite the variant as pathogenic (3x) and likely pathogenic (2x). Based on the evidence outlined above, the variant was classified as pathogenic.

Color Diagnostics, LLC DBA Color Health
Classification: Pathogenic for Hereditary cancer-predisposing syndrome. Last evaluated: 2020-01-15. Review status: criteria provided, single submitter. Criteria: ACMG Guidelines, 2015. Collection method: clinical testing. Allele origin: germline.
Comment: This variant deletes 1 nucleotide in exon 10 of the ATM gene, creating a frameshift and premature translation stop signal. This variant is expected to result in an absent or non-functional protein product. This variant has not been identified in the general population by the Genome Aggregation Database (gnomAD). Loss of ATM function is a known mechanism of disease. Based on the available evidence, this variant is classified as Pathogenic.

GeneDx
Classification: Likely pathogenic. Last evaluated: 2016-02-29. Review status: criteria provided, single submitter. Criteria: GeneDx Variant Classification (06012015). Collection method: clinical testing. Allele origin: germline. Affected: yes.
Comment: This deletion of one nucleotide in ATM is denoted c.1524delT at the cDNA level and p.Gly509GlufsX3 (G509EfsX3) at the protein level. The normal sequence, with the base that is deleted in braces, is TACT[T]GGAG. The deletion causes a frameshift which changes a Glycine to a Glutamic Acid at codon 509, and creates a premature stop codon at position 3 of the new reading frame. This variant is predicted to cause loss of normal protein function through either protein truncation or nonsense-mediated mRNA decay. ATM c.1524delT, also published as ATM Leu508LeufsX4, has been observed in at least one individual with Ataxia Telangiectasia (Cavalieri 2008). Based on the currently available information, we consider this deletion to be a likely pathogenic variant.

Counsyl
Classification: Likely pathogenic for Ataxia-telangiectasia syndrome. Last evaluated: 2015-01-27. Review status: no assertion criteria provided. Collection method: literature only. Allele origin: unknown. Inheritance: Autosomal recessive inheritance. Not counted in ClinVar's aggregate classification.

Literature cited by the submitters: PubMed 23807571 (cited by Labcorp Genetics (formerly Invitae), Labcorp); PubMed 25614872 (cited by Labcorp Genetics (formerly Invitae), Labcorp); PubMed 16941484 (cited by 4 submitters); PubMed 23454770 (cited by Natera, Inc. and Women's Health and Genetics/Laboratory Corporation of America, LabCorp); PubMed 17910737 (cited by Women's Health and Genetics/Laboratory Corporation of America, LabCorp); PubMed 31341520 (cited by Women's Health and Genetics/Laboratory Corporation of America, LabCorp); PubMed 30613976 (cited by Women's Health and Genetics/Laboratory Corporation of America, LabCorp); PubMed 30963573 (cited by Women's Health and Genetics/Laboratory Corporation of America, LabCorp).

NM_000051.4(ATM):c.1524del (p.Gly509fs)

Gene: ATM (ATM serine/threonine kinase; plus strand). Cytogenetic location: 11q22.3.
Variant type: Deletion.
Coding change: c.1524del on transcript NM_000051.4 (MANE Select); coding-DNA position 1524, one base deleted (T; older notation c.1524delT).
Protein change: p.Gly509fs; shifts the reading frame from glycine 509.
Molecular consequence: frameshift variant.
Genome position (GRCh38, 1-based): chr11:108,250,989, T deleted; the last of 2 consecutive T bases (chr11:108,250,988-108,250,989); deleting either gives the same sequence. VCF-style (leftmost placement, unchanged base first): chr11-108250987-CT-C. GRCh37 (hg19) VCF-style: chr11-108121714-CT-C.
Other names: c.1524delT (NM_000051.3); c.1524del, p.Gly509fs (NM_001351834.2); short protein forms G509fs.
Identifiers: ClinVar variation 189158 (VCV000189158.26), dbSNP rs786204737, ClinGen allele CA274435.
Genomic context (GRCh38, chr11:108,250,987, plus strand): 5'-TGGTGTATTACCTTTCGTGGTATAAGTTCTGAGCAAATACAAGCTGAAAACTTTGGCTTA[CT>C]TGGAGCCATAATTCAGGGTAGTTTAGTTGAGGTTGACAGAGAATTCTGGAAGTTATTTAC-3'